The following is an entry in ClinVar:

ClinVar aggregate classification (germline): Uncertain significance (1 of 4 stars; one submission).

Conditions:
Hyperphosphatasemia with bone disease (PDB5). Also called: Paget disease of bone 5; Osteoectasia familial; HYPEROSTOSIS CORTICALIS DEFORMANS JUVENILIS; HYPERPHOSPHATASEMIA, CHRONIC CONGENITAL IDIOPATHIC; HYPERPHOSPHATASIA, FAMILIAL IDIOPATHIC; PAGET DISEASE OF BONE 5, JUVENILE-ONSET. Identifiers: Orphanet 2801, MedGen C0268414, MONDO:0009394, OMIM 239000.

Submission:

Johns Hopkins Genomics, Johns Hopkins University
Classification: Uncertain significance for Hyperphosphatasemia with bone disease. Last evaluated: 2019-10-18. Review status: criteria provided, single submitter. Criteria: ACMG Guidelines, 2015. Collection method: clinical testing. Allele origin: germline.
Comment: This TNFRSF11B variant is absent from a large population dataset5 and has not been reported in ClinVar nor the literature, to our knowledge. This missense substitution is located within the heparin-binding domain, which is believed to play an important role in the binding of OPG to heparin sulfate-containing proteins on the membrane surface. However, a different missense variant (p.Val281Met) has been reported in this region that is present in the homozygous state in multiple "healthy" individuals. Of three bioinformatics tools queried, two predict that p.Leu295Pro would be damaging, while one predicts that it would be tolerated. The leucine residue at this position is evolutionarily conserved across all species assessed. We consider the clinical significance of c.884T>C to be uncertain at this time.

NM_002546.4(TNFRSF11B):c.884T>C (p.Leu295Pro)

Gene: TNFRSF11B (TNF receptor superfamily member 11b; minus strand). Cytogenetic location: 8q24.12.
Variant type: single nucleotide variant.
Coding change: c.884T>C on transcript NM_002546.4 (MANE Select); coding-DNA position 884, T replaced by C.
Protein change: p.Leu295Pro; replaces leucine 295 with proline.
Molecular consequence: missense variant.
Genome position (GRCh38, 1-based): chr8:118,924,696, A>G on the plus strand (T>C on the coding strand, the complement: TNFRSF11B is on the minus strand). VCF-style: chr8-118924696-A-G. GRCh37 (hg19) VCF-style: chr8-119936935-A-G.
Other names: short protein forms L295P.
Identifiers: ClinVar variation 816653 (VCV000816653.1), dbSNP rs1586952570, ClinGen allele CA371918934.